The following is an entry in ClinVar:

NM_001009944.3(PKD1):c.2610dup (p.Glu871Ter)

Gene: PKD1 (polycystin 1, transient receptor potential channel interacting; minus strand). Cytogenetic location: 16p13.3.
Variant type: Duplication.
Coding change: c.2610dup on transcript NM_001009944.3 (MANE Select); coding-DNA position 2610, one base duplicated (T; older notation c.2610dupT).
Protein change: p.Glu871Ter; replaces glutamic acid 871 with a stop codon.
Molecular consequence: nonsense.
Genome position (GRCh38, 1-based): chr16:2,114,413, A duplicated on the plus strand (T on the coding strand, the reverse complement: PKD1 is on the minus strand); the first of 3 consecutive A bases (chr16:2,114,413-2,114,415); duplicating any one gives the same sequence. VCF-style (leftmost placement, unchanged base first): chr16-2114412-C-CA. GRCh37 (hg19) VCF-style: chr16-2164413-C-CA.
Other names: c.2610dup, p.Glu871Ter (NM_000296.4); short protein forms E871*.
Identifiers: ClinVar variation 5019818 (VCV005019818.1).
Genomic context (GRCh38, chr16:2,114,412, plus strand): 5'-CGTTGGTCTCCCAGGGGCAGCCGGGCACGAAGGTGGCCACCAGGGCAGGGCAGACATTCT[C>CA]AAAGCGGGCGCTGACACTGCCCCCAGGCCAGCGAGCCGTGGCCGTGGCGTTGGCACCAGA-3'

ClinVar aggregate classification (germline): Pathogenic (1 of 4 stars; one submission).

Conditions:
Polycystic kidney disease, adult type (PKD1). Also called: POLYCYSTIC KIDNEY DISEASE 1 WITH OR WITHOUT POLYCYSTIC LIVER DISEASE; POLYCYSTIC KIDNEY DISEASE, ADULT, TYPE I; Polycystic Kidney Disease 1, Autosomal Dominant; Polycystic kidney disease 1; Polycystic kidney disease 1, severe; Polycystic Kidney, Autosomal Dominant. Identifiers: MedGen C3149841, MONDO:0008263, OMIM 173900.

Submission:

Juno Genomics, Hangzhou Juno Genomics, Inc
Classification: Pathogenic for Polycystic kidney disease, adult type. Review status: criteria provided, single submitter. Criteria: ACMG Guidelines, 2015. Collection method: clinical testing. Allele origin: germline. Affected: yes.
Comment: Absent from controls (or at extremely low frequency if recessive) in Genome Aggregation Database.;Null variant in a gene where loss of function (LOF) is a known mechanism of disease.;Patient's phenotype or family history is highly specific for a disease with a single genetic etiology.